The following is an entry in ClinVar:

NM_080473.5(GATA5):c.1178C>T (p.Ala393Val)

Gene: GATA5 (GATA binding protein 5; minus strand). Cytogenetic location: 20q13.33.
Variant type: single nucleotide variant.
Coding change: c.1178C>T on transcript NM_080473.5 (MANE Select); coding-DNA position 1178, C replaced by T.
Protein change: p.Ala393Val; replaces alanine 393 with valine.
Molecular consequence: missense variant.
Genome position (GRCh38, 1-based): chr20:62,464,852, G>A on the plus strand (C>T on the coding strand, the complement: GATA5 is on the minus strand). VCF-style: chr20-62464852-G-A. GRCh37 (hg19) VCF-style: chr20-61039908-G-A.
Other names: short protein forms A393V.
Identifiers: ClinVar variation 1806815 (VCV001806815.6), dbSNP rs782198035, ClinGen allele CA9946011.

ClinVar aggregate classification (germline): Uncertain significance. Review status: criteria provided, multiple submitters, no conflicts (2 of 4 stars). 3 submissions from 3 submitters: Uncertain significance (2). 1 of the submissions does not count toward it. Last evaluated 2025-12-31.

Conditions:
GATA5-related disorder. Also called: GATA5-related condition.

Allele frequency attached by ClinVar (database versions not stated): ExAC 0.00001; gnomAD 0.00002; TOPMed 0.00001.
gnomAD v4.1: 62 of 1,604,878 alleles (0.0039%); highest among the groups gnomAD compares: South Asian, 0.0055%; no homozygotes.

Submissions (3):

Labcorp Genetics (formerly Invitae), Labcorp
Classification: Uncertain significance. Last evaluated: 2025-12-31. Review status: criteria provided, single submitter. Criteria: Invitae Variant Classification Sherloc (09022015). Collection method: clinical testing. Allele origin: germline.
Comment: This sequence change replaces alanine, which is neutral and non-polar, with valine, which is neutral and non-polar, at codon 393 of the GATA5 protein (p.Ala393Val). This variant is present in population databases (rs782198035, gnomAD 0.004%). This variant has not been reported in the literature in individuals affected with GATA5-related conditions. ClinVar contains an entry for this variant (Variation ID: 1806815). An algorithm developed to predict the effect of missense changes on protein structure and function (PolyPhen-2) suggests that this variant is likely to be disruptive. In summary, the available evidence is currently insufficient to determine the role of this variant in disease. Therefore, it has been classified as a Variant of Uncertain Significance.

GeneDx
Classification: Uncertain significance. Last evaluated: 2022-12-23. Review status: criteria provided, single submitter. Criteria: GeneDx Variant Classification Process June 2021. Collection method: clinical testing. Allele origin: germline. Affected: yes.
Comment: In silico analysis supports that this missense variant has a deleterious effect on protein structure/function; Not observed at significant frequency in large population cohorts (gnomAD); Has not been previously published as pathogenic or benign in association with cardiomyopathy or congenital heart defects to our knowledge; This variant is associated with the following publications: (PMID: 28397838)

PreventionGenetics, part of Exact Sciences
Classification: Uncertain significance for GATA5-related condition. Last evaluated: 2023-11-08. Review status: no assertion criteria provided. Collection method: clinical testing. Allele origin: germline. Not counted in ClinVar's aggregate classification.
Comment: The GATA5 c.1178C>T variant is predicted to result in the amino acid substitution p.Ala393Val. This variant has been reported in one family in a study of intellectual disability, but no clinical details were provided (Table S3, Harripaul et al. 2017. PubMed ID: 28397838). This variant is reported in 0.0036% of alleles in individuals of European (Non-Finnish) descent in gnomAD. At this time, the clinical significance of this variant is uncertain due to the absence of conclusive functional and genetic evidence.